The following is an entry in ClinVar:

ClinVar aggregate classification (germline): Uncertain significance (1 of 4 stars; one submission).

Submission:

GeneDx
Classification: Uncertain significance. Last evaluated: 2024-05-04. Review status: criteria provided, single submitter. Criteria: GeneDx Variant Classification Process June 2021. Collection method: clinical testing. Allele origin: germline. Affected: yes.
Comment: Not observed at significant frequency in large population cohorts (gnomAD); In silico analysis indicates that this missense variant does not alter protein structure/function; Has not been previously published as pathogenic or benign to our knowledge

NM_003070.5(SMARCA2):c.4224T>G (p.Ser1408Arg)

Gene: SMARCA2 (SWI/SNF related BAF chromatin remodeling complex subunit ATPase 2; plus strand). Cytogenetic location: 9p24.3.
Variant type: single nucleotide variant.
Coding change: c.4224T>G on transcript NM_003070.5 (MANE Select); coding-DNA position 4224, T replaced by G.
Protein change: p.Ser1408Arg; replaces serine 1408 with arginine.
Molecular consequence: missense variant. On other transcripts: intron variant (5).
Genome position (GRCh38, 1-based): chr9:2,170,443, T>G. VCF-style: chr9-2170443-T-G. GRCh37 (hg19) VCF-style: chr9-2170443-T-G.
Other names: c.4199+8540T>G (NM_139045.4); c.4025+8540T>G (NM_001289397.2); c.227+8540T>G (NM_001289398.2); c.317+8540T>G (NM_001289400.2); c.311+8540T>G (NM_001289399.2); c.4224T>G, p.Ser1408Arg (NM_001289396.2); short protein forms S1408R.
Identifiers: ClinVar variation 3375973 (VCV003375973.1).